The following is an entry in ClinVar:

ClinVar aggregate classification (germline): Benign. Review status: criteria provided, multiple submitters, no conflicts (2 of 4 stars). 4 submissions from 3 submitters: Benign (4). Last evaluated 2018-01-13.

Conditions:
Congenital stationary night blindness autosomal dominant 1. Also called: NIGHT BLINDNESS, CONGENITAL STATIONARY, RHODOPSIN-RELATED. Identifiers: Orphanet 215, MedGen C1864869, MONDO:0012498, OMIM 610445.
Retinitis pigmentosa (RP). Identifiers: Orphanet 791, MedGen C0035334, MeSH D012174, MONDO:0019200, OMIM 268000. Inheritance: Autosomal dominant, autosomal recessive and X linked inheritance.

Allele frequency attached by ClinVar (database versions not stated): ExAC 0.06410; ESP Exome Variant Server 0.06506; gnomAD exomes 0.07006; gnomAD 0.08270 and 0.08462; TOPMed 0.10080; 1000 Genomes Project 0.16973; 1000 Genomes Project 30x 0.16989.
gnomAD v4.1: 48,305 of 1,612,158 alleles (3%); highest among the groups gnomAD compares: East Asian, 36%; 5,409 homozygotes.

Submissions (4):

Illumina Laboratory Services, Illumina
Classification: Benign for Retinitis pigmentosa. Last evaluated: 2018-01-13. Review status: criteria provided, single submitter. Criteria: ICSL Variant Classification Criteria 13 December 2019. Collection method: clinical testing. Allele origin: germline.
Comment: This variant was observed in the ICSL laboratory as part of a predisposition screen in an ostensibly healthy population. It had not been previously curated by ICSL or reported in the Human Gene Mutation Database (HGMD: prior to June 1st, 2018), and was therefore a candidate for classification through an automated scoring system. Utilizing variant allele frequency, disease prevalence and penetrance estimates, and inheritance mode, an automated score was calculated to assess if this variant is too frequent to cause the disease. Based on the score and internal cut-off values, a variant classified as benign is not then subjected to further curation. The score for this variant resulted in a classification of benign for this disease.

Illumina Laboratory Services, Illumina
Classification: Benign for Congenital stationary night blindness autosomal dominant 1. Last evaluated: 2018-01-13. Review status: criteria provided, single submitter. Criteria: ICSL Variant Classification Criteria 13 December 2019. Collection method: clinical testing. Allele origin: germline.
Comment: the same text as in the submission from Illumina Laboratory Services, Illumina above.

GeneDx
Classification: Benign. Last evaluated: 2015-03-03. Review status: criteria provided, single submitter. Criteria: GeneDx Variant Classification Process June 2021. Collection method: clinical testing. Allele origin: germline. Affected: yes.

Breakthrough Genomics
Classification: Benign. Review status: criteria provided, single submitter. Criteria: ACMG Guidelines, 2015. Collection method: not provided. Allele origin: germline. Inheritance: Autosomal dominant inheritance. Affected: yes.

NM_000539.3(RHO):c.-51G>A

Gene: RHO (rhodopsin; plus strand). Cytogenetic location: 3q22.1.
Variant type: single nucleotide variant.
Coding change: c.-51G>A on transcript NM_000539.3 (MANE Select); 51 bases upstream of the start codon, G replaced by A.
Molecular consequence: 5 prime UTR variant.
Genome position (GRCh38, 1-based): chr3:129,528,683, G>A. VCF-style: chr3-129528683-G-A. GRCh37 (hg19) VCF-style: chr3-129247526-G-A.
Identifiers: ClinVar variation 343272 (VCV000343272.9), dbSNP rs2269736, ClinGen allele CA2607027.